The following is an entry in ClinVar:

ClinVar aggregate classification (germline): Uncertain significance. Review status: criteria provided, multiple submitters, no conflicts (2 of 4 stars). 3 submissions from 3 submitters: Uncertain significance (2). 1 of the submissions does not count toward it. Last evaluated 2025-05-11.

Conditions:
Cardiomyopathy (CMYO). Also called: Cardiomyopathies. Identifiers: Orphanet 167848, MedGen C0878544, MONDO:0004994, HP:0001638. Inheritance: Various modes of inheritance.
Duchenne muscular dystrophy (DMD). Also called: MUSCULAR DYSTROPHY, PSEUDOHYPERTROPHIC PROGRESSIVE, DUCHENNE TYPE; Duchenne Muscular Dystrophy (DMD). Identifiers: Orphanet 98896, MedGen C0013264, MONDO:0010679, OMIM 310200.
Becker muscular dystrophy (BMD). Also called: MUSCULAR DYSTROPHY, PSEUDOHYPERTROPHIC PROGRESSIVE, BECKER TYPE; Becker Muscular Dystrophy (BMD). Identifiers: Orphanet 98895, MedGen C0917713, MONDO:0010311, OMIM 300376.
Dystrophin deficiency.

Allele frequency attached by ClinVar (database versions not stated): gnomAD exomes 0.00001 and below 0.00001.
gnomAD v4.1: 4 of 1,211,114 alleles (0.00033%); highest among the groups gnomAD compares: East Asian, 0.0059%; no homozygotes.

Submissions (3):

Labcorp Genetics (formerly Invitae), Labcorp
Classification: Uncertain significance for Duchenne muscular dystrophy. Last evaluated: 2025-05-11. Review status: criteria provided, single submitter. Criteria: Invitae Variant Classification Sherloc (09022015). Collection method: clinical testing. Allele origin: germline.
Comment: This sequence change replaces isoleucine, which is neutral and non-polar, with valine, which is neutral and non-polar, at codon 407 of the DMD protein (p.Ile407Val). This variant is present in population databases (no rsID available, gnomAD 0.008%). This variant has not been reported in the literature in individuals affected with DMD-related conditions. ClinVar contains an entry for this variant (Variation ID: 618066). Invitae Evidence Modeling of protein sequence and biophysical properties (such as structural, functional, and spatial information, amino acid conservation, physicochemical variation, residue mobility, and thermodynamic stability) indicates that this missense variant is not expected to disrupt DMD protein function with a negative predictive value of 95%. In summary, the available evidence is currently insufficient to determine the role of this variant in disease. Therefore, it has been classified as a Variant of Uncertain Significance.

ARUP Laboratories, Molecular Genetics and Genomics, ARUP Laboratories
Classification: Uncertain significance. Last evaluated: 2017-12-22. Review status: criteria provided, single submitter. Criteria: ARUP Molecular Germline Variant Investigation Process. Collection method: clinical testing. Allele origin: germline.
Comment: The DMD p.Ile407Val variant has not been reported in the medical literature, is not listed in gene-specific variant databases, nor has it been previously identified in our laboratory; however, it is listed in the Genome Aggregation Database (gnomAD) browser with an overall frequency of 0.001% (identified in 2 out of 178,445 chromosomes). The isoleucine at codon 407 is moderately conserved considering 7 species (Alamut software v2.10), and mouse has a valine at this position, suggesting this change is evolutionary tolerated. Furthermore, computational analyses suggest this variant does not have a significant effect on DMD protein structure/function (SIFT: tolerated, PolyPhen2: benign, and Mutation Taster: polymorphism). However, based on the available information, the clinical significance of the p.Ile407Val variant cannot be determined with certainty.

Natera, Inc.
Classification: Uncertain significance for Becker muscular dystrophy; Cardiomyopathy; Duchenne muscular dystrophy; Dystrophin deficiency. Last evaluated: 2019-07-18. Review status: no assertion criteria provided. Collection method: clinical testing. Allele origin: germline. Not counted in ClinVar's aggregate classification.

NM_004006.3(DMD):c.1219A>G (p.Ile407Val)

Gene: DMD (dystrophin; minus strand). Cytogenetic location: Xp21.1.
Variant type: single nucleotide variant.
Coding change: c.1219A>G on transcript NM_004006.3 (MANE Select); coding-DNA position 1219, A replaced by G.
Protein change: p.Ile407Val; replaces isoleucine 407 with valine.
Molecular consequence: missense variant.
Genome position (GRCh38, 1-based): chrX:32,644,244, T>C on the plus strand (A>G on the coding strand, the complement: DMD is on the minus strand). VCF-style: chrX-32644244-T-C. GRCh37 (hg19) VCF-style: chrX-32662361-T-C.
Other names: c.1195A>G, p.Ile399Val (NM_000109.4); c.1207A>G, p.Ile403Val (NM_004009.3); c.850A>G, p.Ile284Val (NM_004010.3); short protein forms I407V, I403V, I284V, I399V.
Identifiers: ClinVar variation 618066 (VCV000618066.11), dbSNP rs1463021278, ClinGen allele CA412661229.